The following is an entry in ClinVar:

ClinVar aggregate classification (germline): Pathogenic/Likely pathogenic. Review status: criteria provided, multiple submitters, no conflicts (2 of 4 stars). 3 submissions from 3 submitters: Pathogenic (2); Likely pathogenic (1). Last evaluated 2025-05-03.

Conditions:
Retinoblastoma (RB1). Also called: RETINOBLASTOMA, SOMATIC. Identifiers: Orphanet 790, MedGen C0035335, MeSH D012175, MONDO:0008380, OMIM 180200, HP:0009919. Disease mechanism: loss of function. Inheritance: Both sporadic and heritable forms are tested..
Hereditary cancer-predisposing syndrome. Also called: Neoplastic Syndromes, Hereditary; Tumor predisposition; Hereditary neoplastic syndrome; Hereditary Cancer Syndrome. Identifiers: Orphanet 140162, MedGen C0027672, MeSH D009386, MONDO:0015356.

Submissions (3):

Ambry Genetics
Classification: Pathogenic for Hereditary cancer-predisposing syndrome. Last evaluated: 2025-05-03. Review status: criteria provided, single submitter. Criteria: Ambry Variant Classification Scheme 2023. Collection method: clinical testing. Allele origin: germline.
Comment: The c.1960G>T pathogenic mutation (also known as p.V654L), located in coding exon 19 of the RB1 gene, results from a G to T substitution at nucleotide position 1960. This variant was reported in individuals with features consistent with RB1-related hereditary retinoblastoma (Zhang K et al. Hum Mutat, 2008 Apr;29:475-84; Hung CC et al. BMC Med Genet. 2011 May;12:76; Kugalingam N et al. BMC Med Genomics, 2023 Nov;16:279; Ambry internal data), however, it has also been reported in some unaffected family members (Zhang K et al. Hum Mutat, 2008 Apr;29:475-84; Hung CC et al. BMC Med Genet. 2011 May;12:76). The amino acid change results in valine to leucine at codon 654, an amino acid with highly similar properties. However, this change occurs in the last base pair of coding exon 19, which makes it likely to have some effect on normal mRNA splicing. This nucleotide position is well conserved in available vertebrate species. This amino acid position is well conserved in available vertebrate species. In silico splice site analysis predicts that this alteration may weaken the native splice donor site. One RNA study reported that this variant resulted in skipping of Exon 19 (Zhang K et al. Hum Mutat. 2008 Apr;29(4):475-84). Another variant impacting the same donor site, and resulting in the same amino acid change (c.1960G>C p.V654L), has also been identified in individuals with features consistent with retinoblastoma. In addition as a missense, this alteration is predicted to be deleterious by in silico analysis. Based on the supporting evidence, this variant is interpreted as a disease-causing mutation.

Genetic Diagnostic Laboratory, University of Pennsylvania School of Medicine
Classification: Pathogenic for Retinoblastoma. Last evaluated: 2024-05-20. Review status: criteria provided, single submitter. Criteria: ACMG Guidelines, 2015. Collection method: clinical testing. Allele origin: germline. Affected: yes. Observed: 1 variant allele.
Comment: Case and Pedigree Information: BILATERAL CASES:1, UNILATERAL CASES:0, TOTAL CASES:1, PEDIGREES:1. ACMG Codes Applied:PVS1, PM2

Swedish National ChiCaP Initative, Genomic Medicine Sweden
Classification: Likely pathogenic for Retinoblastoma. Last evaluated: 2024-05-01. Review status: criteria provided, single submitter. Criteria: ACMG Guidelines, 2015. Collection method: clinical testing. Allele origin: de novo. Affected: yes.

Literature cited by the submitters: PubMed 18181215 (cited by Ambry Genetics); PubMed 21615945 (cited by Ambry Genetics); PubMed 37932687 (cited by Ambry Genetics).

NM_000321.3(RB1):c.1960G>T (p.Val654Leu)

Gene: RB1 (RB transcriptional corepressor 1; plus strand). Cytogenetic location: 13q14.2.
Variant type: single nucleotide variant.
Coding change: c.1960G>T on transcript NM_000321.3 (MANE Select); coding-DNA position 1960, G replaced by T.
Protein change: p.Val654Leu; replaces valine 654 with leucine.
Molecular consequence: missense variant.
Genome position (GRCh38, 1-based): chr13:48,456,349, G>T. VCF-style: chr13-48456349-G-T. GRCh37 (hg19) VCF-style: chr13-49030485-G-T.
Other names: c.1960G>T, p.Val654Leu (NM_001407165.1); short protein forms V654L.
Identifiers: ClinVar variation 3237045 (VCV003237045.3), dbSNP rs483352690.